The following is an entry in ClinVar:

NM_000143.4(FH):c.1236+292T>C

Gene: FH (fumarate hydratase; minus strand). Cytogenetic location: 1q43.
Variant type: single nucleotide variant.
Coding change: c.1236+292T>C on transcript NM_000143.4 (MANE Select); 292 bases into the intron after coding-DNA position 1236, T replaced by C.
Molecular consequence: intron variant.
Genome position (GRCh38, 1-based): chr1:241,502,151, A>G on the plus strand (T>C on the coding strand, the complement: FH is on the minus strand). VCF-style: chr1-241502151-A-G. GRCh37 (hg19) VCF-style: chr1-241665451-A-G.
Identifiers: ClinVar variation 679773 (VCV000679773.1), dbSNP rs150089431, ClinGen allele CA40327726.

ClinVar aggregate classification (germline): Likely benign (1 of 4 stars; one submission).

Allele frequency attached by ClinVar (database versions not stated): gnomAD 0.00451 and 0.00485; TOPMed 0.00506; 1000 Genomes Project 30x 0.00515; 1000 Genomes Project 0.00519.

Submission:

GeneDx
Classification: Likely benign. Last evaluated: 2018-06-15. Review status: criteria provided, single submitter. Criteria: GeneDx Variant Classification (06012015). Collection method: clinical testing. Allele origin: germline. Affected: yes.
Comment: This variant is considered likely benign or benign based on one or more of the following criteria: it is a conservative change, it occurs at a poorly conserved position in the protein, it is predicted to be benign by multiple in silico algorithms, and/or has population frequency not consistent with disease.